The following is an entry in ClinVar:

ClinVar aggregate classification (germline): Uncertain significance (1 of 4 stars; one submission).

Submission:

Women's Health and Genetics/Laboratory Corporation of America, LabCorp
Classification: Uncertain significance. Last evaluated: 2025-02-03. Review status: criteria provided, single submitter. Criteria: LabCorp Variant Classification Summary - May 2015. Collection method: clinical testing. Allele origin: germline.
Comment: Variant summary: The variant involves the duplication of exons 1-4 in the TRIP12 gene. A presumed nomenclature of c.(?_-180)_(1027+1_1028-1)dup has been designated for the purposes of this classification. The exact breakpoint at the 5' end of this variant is unknown, therefore this duplication may extend upstream of the annotated region of this gene. It is predicted to duplicate a segment including the initiation codon, therefore its impact on the encoded protein is unknown. The variant was absent in 21694 control chromosomes (gnomAD, structural variants dataset). The available data on variant occurrences in the general population are insufficient to allow any conclusion about variant significance. To our knowledge, no occurrence of c.(?_-180)_(1027+1_1028-1)dup in individuals affected with Clark-Baraitser Syndrome and no experimental evidence demonstrating its impact on protein function have been reported. No submitters have cited clinical-significance assessments for this variant to ClinVar. Based on the evidence outlined above, the variant was classified as uncertain significance.

NC_000002.11:g.(230705644_230723487)_(230786726_?)dup

Gene: TRIP12 (thyroid hormone receptor interactor 12; minus strand). Cytogenetic location: 2q36.3.
Variant type: Duplication.
Identifiers: ClinVar variation 3768795 (VCV003768795.1).